The following is an entry in ClinVar:

ClinVar aggregate classification (germline): Likely benign (1 of 4 stars; one submission).

Conditions:
ISL1-related disorder. Also called: ISL1-related condition.

Submission:

PreventionGenetics, part of Exact Sciences
Classification: Likely benign for ISL1-related condition. Last evaluated: 2025-08-06. Review status: criteria provided, single submitter. Criteria: ACMG Guidelines, 2015. Collection method: clinical testing. Allele origin: germline.
Comment: This variant is classified as likely benign based on ACMG/AMP sequence variant interpretation guidelines (Richards et al. 2015 PMID: 25741868, with internal and published modifications).

NM_002202.3(ISL1):c.*2G>C

Gene: ISL1 (ISL LIM homeobox 1; plus strand). Cytogenetic location: 5q11.1.
Variant type: single nucleotide variant.
Coding change: c.*2G>C on transcript NM_002202.3 (MANE Select); 2 bases downstream of the stop codon, G replaced by C.
Molecular consequence: 3 prime UTR variant.
Genome position (GRCh38, 1-based): chr5:51,393,612, G>C. VCF-style: chr5-51393612-G-C. GRCh37 (hg19) VCF-style: chr5-50689446-G-C.
Identifiers: ClinVar variation 4999202 (VCV004999202.1).